The following is an entry in ClinVar:

ClinVar aggregate classification (germline): Uncertain significance (1 of 4 stars; one submission).

Submission:

GeneDx
Classification: Uncertain significance. Last evaluated: 2025-10-30. Review status: criteria provided, single submitter. Criteria: GeneDx Variant Classification Process June 2021. Collection method: clinical testing. Allele origin: germline. Affected: yes.
Comment: Not observed at significant frequency in large population cohorts (gnomAD); In silico analysis supports a deleterious effect on protein structure/function; Has not been previously published as pathogenic or benign to our knowledge

NM_002547.3(OPHN1):c.1001_1002delinsTG (p.Cys334Leu)

Gene: OPHN1 (oligophrenin 1; minus strand). Cytogenetic location: Xq12.
Variant type: Indel.
Coding change: c.1001_1002delinsTG on transcript NM_002547.3 (MANE Select); coding-DNA positions 1001 to 1002, GT replaced by TG.
Protein change: p.Cys334Leu; replaces cysteine 334 with leucine.
Molecular consequence: missense variant.
Genome position (GRCh38, 1-based): chrX:68,201,642-68,201,643, AC replaced by CA on the plus strand (GT replaced by TG on the coding strand, the reverse complement: OPHN1 is on the minus strand). VCF-style: chrX-68201642-AC-CA. GRCh37 (hg19) VCF-style: chrX-67421484-AC-CA.
Other names: short protein forms C334L.
Identifiers: ClinVar variation 1691194 (VCV001691194.3), dbSNP rs2147467674, ClinGen allele CA2573159131.